The following is an entry in ClinVar:

NM_000245.4(MET):c.1113C>G (p.Asn371Lys)

Gene: MET (MET proto-oncogene, receptor tyrosine kinase; plus strand). Cytogenetic location: 7q31.2.
Variant type: single nucleotide variant.
Coding change: c.1113C>G on transcript NM_000245.4 (MANE Select); coding-DNA position 1113, C replaced by G.
Protein change: p.Asn371Lys; replaces asparagine 371 with lysine.
Molecular consequence: missense variant. On other transcripts: intron variant (1).
Genome position (GRCh38, 1-based): chr7:116,700,197, C>G. VCF-style: chr7-116700197-C-G. GRCh37 (hg19) VCF-style: chr7-116340251-C-G.
Other names: c.1113C>G, p.Asn371Lys (NM_001127500.3, NM_001324401.3); c.-91+27620C>G (NM_001324402.2); short protein forms N371K.
Identifiers: ClinVar variation 655180 (VCV000655180.10), dbSNP rs772014416, ClinGen allele CA368970565.

ClinVar aggregate classification (germline): Conflicting classifications of pathogenicity. Review status: criteria provided, conflicting classifications (1 of 4 stars). 2 submissions from 2 submitters: Uncertain significance (1); Likely benign (1). Last evaluated 2025-12-03.

Conditions:
Renal cell carcinoma. Identifiers: Orphanet 217071, MedGen C0007134, MeSH D002292, MONDO:0005086, HP:0005584.
Hereditary cancer-predisposing syndrome. Also called: Hereditary neoplastic syndrome; Tumor predisposition; Neoplastic Syndromes, Hereditary; Hereditary Cancer Syndrome. Identifiers: Orphanet 140162, MedGen C0027672, MeSH D009386, MONDO:0015356.

Submissions (2):

Ambry Genetics
Classification: Likely benign for Hereditary cancer-predisposing syndrome. Last evaluated: 2025-12-03. Review status: criteria provided, single submitter. Criteria: Ambry Variant Classification Scheme 2023. Collection method: clinical testing. Allele origin: germline.

Labcorp Genetics (formerly Invitae), Labcorp
Classification: Uncertain significance for Renal cell carcinoma. Last evaluated: 2022-12-29. Review status: criteria provided, single submitter. Criteria: Invitae Variant Classification Sherloc (09022015). Collection method: clinical testing. Allele origin: germline.
Comment: This sequence change replaces asparagine, which is neutral and polar, with lysine, which is basic and polar, at codon 371 of the MET protein (p.Asn371Lys). In summary, the available evidence is currently insufficient to determine the role of this variant in disease. Therefore, it has been classified as a Variant of Uncertain Significance. Algorithms developed to predict the effect of missense changes on protein structure and function are either unavailable or do not agree on the potential impact of this missense change (SIFT: "Deleterious"; PolyPhen-2: "Possibly Damaging"; Align-GVGD: "Class C0"). ClinVar contains an entry for this variant (Variation ID: 655180). This variant has not been reported in the literature in individuals affected with MET-related conditions. This variant is not present in population databases (gnomAD no frequency).